The following is an entry in ClinVar:

ClinVar aggregate classification (germline): Uncertain significance (1 of 4 stars; one submission).

Conditions:
Bloom syndrome (BLM). Also called: Bloom-Torre-Machacek syndrome. Identifiers: Orphanet 125, MedGen C0005859, MONDO:0008876, OMIM 210900.

Submission:

Labcorp Genetics (formerly Invitae), Labcorp
Classification: Uncertain significance for Bloom syndrome. Last evaluated: 2025-05-05. Review status: criteria provided, single submitter. Criteria: Invitae Variant Classification Sherloc (09022015). Collection method: clinical testing. Allele origin: germline.
Comment: This sequence change falls in intron 21 of the BLM gene. It does not directly change the encoded amino acid sequence of the BLM protein. It affects a nucleotide within the consensus splice site. This variant is not present in population databases (gnomAD no frequency). This variant has not been reported in the literature in individuals affected with BLM-related conditions. ClinVar contains an entry for this variant (Variation ID: 2711112). Variants that disrupt the consensus splice site are a relatively common cause of aberrant splicing (PMID: 17576681, 9536098). Algorithms developed to predict the effect of sequence changes on RNA splicing suggest that this variant is not likely to affect RNA splicing. In summary, the available evidence is currently insufficient to determine the role of this variant in disease. Therefore, it has been classified as a Variant of Uncertain Significance.

Literature cited by the submitters: PubMed 17576681; PubMed 9536098.

NM_000057.4(BLM):c.4076+4T>A

Gene: BLM (BLM RecQ like helicase; plus strand). Cytogenetic location: 15q26.1.
Variant type: single nucleotide variant.
Coding change: c.4076+4T>A on transcript NM_000057.4 (MANE Select); 4 bases into the intron after coding-DNA position 4076, T replaced by A.
Molecular consequence: intron variant.
Genome position (GRCh38, 1-based): chr15:90,811,410, T>A. VCF-style: chr15-90811410-T-A. GRCh37 (hg19) VCF-style: chr15-91354640-T-A.
Other names: c.4076+4T>A (NM_001287246.2); c.2951+4T>A (NM_001287248.2); c.3683+4T>A (NM_001287247.2).
Identifiers: ClinVar variation 2711112 (VCV002711112.3), dbSNP rs183176301, ClinGen allele CA2697549473.